The following is an entry in ClinVar:

ClinVar aggregate classification (germline): Uncertain significance (1 of 4 stars; one submission).

Conditions:
Alstrom syndrome (ALMS). Identifiers: Orphanet 64, MedGen C0268425, MONDO:0008763, OMIM 203800.

Allele frequency attached by ClinVar (database versions not stated): gnomAD exomes below 0.00001; TOPMed below 0.00001; ExAC 0.00002.
gnomAD v4.1: 2 of 1,614,034 alleles (0.00012%); highest among the groups gnomAD compares: Non-Finnish European, 0.00017%; no homozygotes.

Submission:

Labcorp Genetics (formerly Invitae), Labcorp
Classification: Uncertain significance for Alstrom syndrome. Last evaluated: 2022-07-17. Review status: criteria provided, single submitter. Criteria: Invitae Variant Classification Sherloc (09022015). Collection method: clinical testing. Allele origin: germline.
Comment: This sequence change replaces aspartic acid, which is acidic and polar, with glycine, which is neutral and non-polar, at codon 3580 of the ALMS1 protein (p.Asp3580Gly). This variant is present in population databases (rs781595988, gnomAD 0.003%). This variant has not been reported in the literature in individuals affected with ALMS1-related conditions. Experimental studies and prediction algorithms are not available or were not evaluated, and the functional significance of this variant is currently unknown. In summary, the available evidence is currently insufficient to determine the role of this variant in disease. Therefore, it has been classified as a Variant of Uncertain Significance.

NM_001378454.1(ALMS1):c.10736A>G (p.Asp3579Gly)

Gene: ALMS1 (ALMS1 centrosome and basal body associated protein; plus strand). Cytogenetic location: 2p13.1.
Variant type: single nucleotide variant.
Coding change: c.10736A>G on transcript NM_001378454.1 (MANE Select); coding-DNA position 10736, A replaced by G.
Protein change: p.Asp3579Gly; replaces aspartic acid 3579 with glycine.
Molecular consequence: missense variant.
Genome position (GRCh38, 1-based): chr2:73,572,613, A>G. VCF-style: chr2-73572613-A-G. GRCh37 (hg19) VCF-style: chr2-73799740-A-G.
Other names: c.10739A>G, p.Asp3580Gly (NM_015120.4); short protein forms D3580G, D3579G.
Identifiers: ClinVar variation 2192187 (VCV002192187.1), dbSNP rs781595988, ClinGen allele CA1715049.